The following is an entry in ClinVar:

ClinVar aggregate classification (germline): Uncertain significance (1 of 4 stars; one submission).

Conditions:
Melnick-Fraser syndrome (BOR). Also called: Branchio-oto-renal syndrome; Branchiootorenal syndrome; Branchiootorenal Syndrome (BORS). Identifiers: Orphanet 107, MedGen C0265234, MONDO:0007029.

Submission:

Labcorp Genetics (formerly Invitae), Labcorp
Classification: Uncertain significance for Melnick-Fraser syndrome. Last evaluated: 2025-02-06. Review status: criteria provided, single submitter. Criteria: Invitae Variant Classification Sherloc (09022015). Collection method: clinical testing. Allele origin: germline.
Comment: This sequence change replaces threonine, which is neutral and polar, with proline, which is neutral and non-polar, at codon 274 of the EYA1 protein (p.Thr274Pro). This variant is not present in population databases (gnomAD no frequency). This variant has not been reported in the literature in individuals affected with EYA1-related conditions. Invitae Evidence Modeling of protein sequence and biophysical properties (such as structural, functional, and spatial information, amino acid conservation, physicochemical variation, residue mobility, and thermodynamic stability) has been performed for this missense variant. However, the output from this modeling did not meet the statistical confidence thresholds required to predict the impact of this variant on EYA1 protein function. In summary, the available evidence is currently insufficient to determine the role of this variant in disease. Therefore, it has been classified as a Variant of Uncertain Significance.

NM_000503.6(EYA1):c.820A>C (p.Thr274Pro)

Gene: EYA1 (EYA transcriptional coactivator and phosphatase 1; minus strand). Cytogenetic location: 8q13.3.
Variant type: single nucleotide variant.
Coding change: c.820A>C on transcript NM_000503.6 (MANE Select); coding-DNA position 820, A replaced by C.
Protein change: p.Thr274Pro; replaces threonine 274 with proline.
Molecular consequence: missense variant.
Genome position (GRCh38, 1-based): chr8:71,299,053, T>G on the plus strand (A>C on the coding strand, the complement: EYA1 is on the minus strand). VCF-style: chr8-71299053-T-G. GRCh37 (hg19) VCF-style: chr8-72211288-T-G.
Other names: c.802A>C, p.Thr268Pro (NM_001288574.2); c.454A>C, p.Thr152Pro (NM_001288575.2); c.907A>C, p.Thr303Pro (NM_001370333.1); c.820A>C, p.Thr274Pro (NM_001370334.1, NM_001370335.1, NM_172058.4); c.889A>C, p.Thr297Pro (NM_001370336.1); c.721A>C, p.Thr241Pro (NM_001411797.1, NM_172060.4); c.892A>C, p.Thr298Pro (NM_172059.5); short protein forms T241P, T152P, T268P, T274P, T297P, T298P, T303P.
Identifiers: ClinVar variation 4720681 (VCV004720681.1).